The following is an entry in ClinVar:

ClinVar aggregate classification (germline): Likely benign. Review status: criteria provided, single submitter (1 of 4 stars). 2 submissions from 2 submitters: Likely benign (1). 1 of the submissions does not count toward it. Last evaluated 2025-12-15.

Conditions:
UCP3-related disorder. Also called: UCP3-related condition.

Submissions (2):

Ambry Genetics
Classification: Likely benign. Last evaluated: 2025-12-15. Review status: criteria provided, single submitter. Criteria: Ambry Variant Classification Scheme 2023. Collection method: clinical testing. Allele origin: germline.

PreventionGenetics, part of Exact Sciences
Classification: Uncertain significance for UCP3-related condition. Last evaluated: 2024-05-16. Review status: no assertion criteria provided. Collection method: clinical testing. Allele origin: germline. Not counted in ClinVar's aggregate classification.
Comment: The UCP3 c.146C>T variant is predicted to result in the amino acid substitution p.Ala49Val. To our knowledge, this variant has not been reported in the literature. This variant is reported in 0.0075% of alleles in individuals of South Asian descent in gnomAD. At this time, the clinical significance of this variant is uncertain due to the absence of conclusive functional and genetic evidence.

NM_003356.4(UCP3):c.146C>T (p.Ala49Val)

Gene: UCP3 (uncoupling protein 3; minus strand). Cytogenetic location: 11q13.4.
Variant type: single nucleotide variant.
Coding change: c.146C>T on transcript NM_003356.4 (MANE Select); coding-DNA position 146, C replaced by T.
Protein change: p.Ala49Val; replaces alanine 49 with valine.
Molecular consequence: missense variant.
Genome position (GRCh38, 1-based): chr11:74,006,360, G>A on the plus strand (C>T on the coding strand, the complement: UCP3 is on the minus strand). VCF-style: chr11-74006360-G-A. GRCh37 (hg19) VCF-style: chr11-73717405-G-A.
Other names: c.146C>T, p.Ala49Val (NM_022803.3); short protein forms A49V.
Identifiers: ClinVar variation 3357815 (VCV003357815.2).
Genomic context (GRCh38, chr11:74,006,360, plus strand): 5'-ACCATGGTCAGGATGGTGCCCAGCACGCCACGGTACTGCACGAGCCGGGCCGTCTGGACC[G>A]CCTGGTTCTCCCCCTGGATCTGAGGGACAATAGCAGGGGGTGAGGACTCAGATGGGAAGG-3'
Protein context (NP_003347.1, residues 39-59): VRLQIQGENQ[Ala49Val]VQTARLVQYR